The following is an entry in ClinVar:

ClinVar aggregate classification (germline): Pathogenic/Likely pathogenic. Review status: criteria provided, multiple submitters, no conflicts (2 of 4 stars). 3 submissions from 3 submitters: Pathogenic (2); Likely pathogenic (1). Last evaluated 2025-03-18.

Conditions:
Deficiency of butyryl-CoA dehydrogenase (ACADSD). Also called: ACADS DEFICIENCY; SCADH DEFICIENCY; SCAD Deficiency; SCAD DEFICIENCY, MILD; ACYL-CoA DEHYDROGENASE, SHORT-CHAIN, DEFICIENCY OF; Short-Chain Acyl-CoA Dehydrogenase Deficiency. Identifiers: Orphanet 26792, MedGen C0342783, MONDO:0008722, OMIM 201470. Disease mechanism: May be benign.

Submissions (3):

Labcorp Genetics (formerly Invitae), Labcorp
Classification: Pathogenic for Deficiency of butyryl-CoA dehydrogenase. Last evaluated: 2025-03-18. Review status: criteria provided, single submitter. Criteria: Invitae Variant Classification Sherloc (09022015). Collection method: clinical testing. Allele origin: germline.
Comment: This sequence change creates a premature translational stop signal (p.Ala165Profs*8) in the ACADS gene. It is expected to result in an absent or disrupted protein product. Loss-of-function variants in ACADS are known to be pathogenic (PMID: 12736383, 18523805). This variant is present in population databases (rs745833347, gnomAD 0.008%). This variant has not been reported in the literature in individuals affected with ACADS-related conditions. ClinVar contains an entry for this variant (Variation ID: 953991). For these reasons, this variant has been classified as Pathogenic.

Fulgent Genetics
Classification: Likely pathogenic for Deficiency of butyryl-CoA dehydrogenase. Last evaluated: 2024-05-23. Review status: criteria provided, single submitter. Criteria: ACMG Guidelines, 2015. Collection method: clinical testing. Allele origin: germline.

GeneDx
Classification: Pathogenic. Last evaluated: 2022-10-28. Review status: criteria provided, single submitter. Criteria: GeneDx Variant Classification Process June 2021. Collection method: clinical testing. Allele origin: germline. Affected: yes.
Comment: Frameshift variant predicted to result in protein truncation or nonsense mediated decay in a gene for which loss of function is a known mechanism of disease; Not observed at significant frequency in large population cohorts (gnomAD); Has not been previously published as pathogenic or benign to our knowledge

Literature cited by the submitters: PubMed 12736383 (cited by Labcorp Genetics (formerly Invitae), Labcorp); PubMed 18523805 (cited by Labcorp Genetics (formerly Invitae), Labcorp).

NM_000017.4(ACADS):c.492_513del (p.Ala165fs)

Gene: ACADS (acyl-CoA dehydrogenase short chain; plus strand). Cytogenetic location: 12q24.31.
Variant type: Deletion.
Coding change: c.492_513del on transcript NM_000017.4 (MANE Select); coding-DNA positions 492 to 513, 22 bases deleted (AGCTGCGTCCACCACCGCCCGG).
Protein change: p.Ala165fs; shifts the reading frame from alanine 165.
Molecular consequence: frameshift variant. On other transcripts: intron variant (1).
Genome position (GRCh38, 1-based): chr12:120,737,856-120,737,877, AGCTGCGTCCACCACCGCCCGG deleted; deleting any 22 consecutive bases within chr12:120,737,854-120,737,877 gives the same sequence; the c. name uses the placement nearest the transcript's 3' end. VCF-style (leftmost placement, unchanged base first): chr12-120737853-AGGAGCTGCGTCCACCACCGCCC-A. GRCh37 (hg19) VCF-style: chr12-121175656-AGGAGCTGCGTCCACCACCGCCC-A.
Other names: c.473-193_473-172del (NM_001302554.2); short protein forms A165fs.
Identifiers: ClinVar variation 953991 (VCV000953991.10), dbSNP rs745833347, ClinGen allele CA6830913.
Genomic context (GRCh38, chr12:120,737,853, plus strand): 5'-GTGTGGGGTGGGGCGTGCGCTGAGCCCTGGGTCTGTGTGGGCAGGGAACGGCAGTGATGC[AGGAGCTGCGTCCACCACCGCCC>A]GGGCCGAGGGCGACTCATGGGTTCTGAATGGAACCAAAGCCTGGATCACCAATGCCTGGG-3'